The following is an entry in ClinVar:

ClinVar aggregate classification (germline): Likely benign (1 of 4 stars; one submission).

Submission:

CeGaT Center for Human Genetics Tuebingen
Classification: Likely benign. Last evaluated: 2026-01-01. Review status: criteria provided, single submitter. Criteria: CeGaT Center For Human Genetics Tuebingen Variant Classification Criteria Version 2. Collection method: clinical testing. Allele origin: germline. Affected: yes. Observed: 1 variant allele.
Comment: MRGPRX1: BP4

NM_001393578.1(MRGPRX1):c.224T>G (p.Phe75Cys)

Gene: MRGPRX1 (MAS related GPR family member X1; minus strand). Cytogenetic location: 11p15.1.
Variant type: single nucleotide variant.
Coding change: c.224T>G on transcript NM_001393578.1 (MANE Select); coding-DNA position 224, T replaced by G.
Protein change: p.Phe75Cys; replaces phenylalanine 75 with cysteine.
Molecular consequence: missense variant.
Genome position (GRCh38, 1-based): chr11:18,934,561, A>C on the plus strand (T>G on the coding strand, the complement: MRGPRX1 is on the minus strand). VCF-style: chr11-18934561-A-C. GRCh37 (hg19) VCF-style: chr11-18956108-A-C.
Other names: c.224T>G, p.Phe75Cys (NM_147199.4); short protein forms F75C.
Identifiers: ClinVar variation 4821370 (VCV004821370.4).